The following is an entry in ClinVar:

ClinVar aggregate classification (germline): Likely pathogenic (1 of 4 stars; one submission).

Conditions:
Loeys-Dietz syndrome 2 (LDS2). Also called: Marfan syndrome, type 2 (formerly); TGFBR2-Related Loeys-Dietz Syndrome; AORTIC ANEURYSM, FAMILIAL THORACIC 3; MARFAN SYNDROME, TYPE II; Marfan Syndrome type 2; Marfan like connective tissue disorder. Identifiers: Orphanet 284973, Orphanet 558, MedGen C2674574, MONDO:0012427, OMIM 610168.

Submission:

Institute of Medical Genetics and Applied Genomics, University Hospital Tübingen
Classification: Likely pathogenic for Loeys-Dietz syndrome 2. Last evaluated: 2024-04-18. Review status: criteria provided, single submitter. Criteria: ACMG Guidelines, 2015. Collection method: clinical testing. Allele origin: germline. Inheritance: Autosomal dominant inheritance. Affected: yes.
Comment: The deletion abrogates the genuine splice donor but it creates a potent novel one. The most likely effect on the level of protein is therefore a deletion of 5 amino acids (p.Ala414_Gln418del).

NM_003242.6(TGFBR2):c.1241_1254+1del

Gene: TGFBR2 (transforming growth factor beta receptor 2; plus strand). Cytogenetic location: 3p24.1.
Variant type: Deletion.
Coding change: c.1241_1254+1del on transcript NM_003242.6 (MANE Select); coding-DNA position 1241 through the canonical splice donor site of the intron after coding-DNA position 1254, 15 bases deleted (CTAACAGTGGGCAGG).
Molecular consequence: splice donor variant. On other transcripts: intron variant (1).
Genome position (GRCh38, 1-based): chr3:30,672,424-30,672,438, CTAACAGTGGGCAGG deleted; deleting any 15 consecutive bases within chr3:30,672,422-30,672,438 gives the same sequence; the c. name uses the placement nearest the transcript's 3' end. VCF-style (leftmost placement, unchanged base first): chr3-30672421-TGGCTAACAGTGGGCA-T. GRCh37 (hg19) VCF-style: chr3-30713913-TGGCTAACAGTGGGCA-T.
Other names: c.1244_1257+1del (NM_001407129.1); c.1136_1149+1del (NM_001407132.1, NM_001407136.1, NM_001407133.1 and 2 more transcripts); c.1424_1437+1del (NM_001407126.1); c.1316_1329+1del (NM_001024847.3); c.530-15963_530-15949del (NM_001407139.1); c.956_969+1del (NM_001407137.1); c.1349_1362+1del (NM_001407127.1); c.1241_1254+1del (NM_001407130.1); and 2 more.
Identifiers: ClinVar variation 3075671 (VCV003075671.1), dbSNP rs2470564348, ClinGen allele CA2825001219.
Genomic context (GRCh38, chr3:30,672,421, plus strand): 5'-GCTGCCTGTGTGACTTTGGGCTTTCCCTGCGTCTGGACCCTACTCTGTCTGTGGATGACC[TGGCTAACAGTGGGCA>T]GGTAAGTTAGAGCTAGTGCTAGATCCCCTTTACCTTGAGCCTGGCCTCACCCTACCTCTT-3'